The following is an entry in ClinVar:

ClinVar aggregate classification (germline): Uncertain significance. Review status: criteria provided, single submitter (1 of 4 stars). 2 submissions from 2 submitters: Uncertain significance (1). 1 of the submissions does not count toward it. Last evaluated 2020-07-17.

Conditions:
Silver-Russell syndrome 5 (SRS5). Identifiers: MedGen C5394456, MONDO:0020795, OMIM 618908.

Submissions (2):

GeneDx
Classification: Uncertain significance. Last evaluated: 2020-07-17. Review status: criteria provided, single submitter. Criteria: GeneDx Variant Classification Process June 2021. Collection method: clinical testing. Allele origin: germline. Affected: yes.
Comment: Not observed in large population cohorts (Lek et al., 2016); Frameshift variant predicted to result in protein truncation as the last 8 amino acids are replaced with 63 different amino acids, although loss-of-function variants have not been reported downstream of this position in the protein; This variant is associated with the following publications: (PMID: 29453418)

OMIM
Classification: Pathogenic for SILVER-RUSSELL SYNDROME 5. Last evaluated: 2020-06-12. Review status: no assertion criteria provided. Collection method: literature only. Allele origin: germline. Not counted in ClinVar's aggregate classification.

Literature cited by the submitters: PubMed 29453418 (cited by OMIM).

NM_003483.6(HMGA2):c.303del (p.Ser102fs)

Gene: HMGA2 (high mobility group AT-hook 2; plus strand). Cytogenetic location: 12q14.3.
Variant type: Deletion.
Coding change: c.303del on transcript NM_003483.6 (MANE Select); coding-DNA position 303, one base deleted (C; older notation c.303delC).
Protein change: p.Ser102fs; shifts the reading frame from serine 102.
Molecular consequence: frameshift variant.
Genome position (GRCh38, 1-based): chr12:65,963,265, C deleted; the last of 2 consecutive C bases (chr12:65,963,264-65,963,265); deleting either gives the same sequence. VCF-style (leftmost placement, unchanged base first): chr12-65963263-TC-T. GRCh37 (hg19) VCF-style: chr12-66357043-TC-T.
Other names: short protein forms S102fs.
Identifiers: ClinVar variation 917507 (VCV000917507.3), dbSNP rs1876805546, ClinGen allele CA1139662772.